The following is an entry in ClinVar:

NM_000535.7(PMS2):c.1777A>C (p.Lys593Gln)

Gene: PMS2 (PMS1 homolog 2, mismatch repair system component; minus strand). Cytogenetic location: 7p22.1.
Variant type: single nucleotide variant.
Coding change: c.1777A>C on transcript NM_000535.7 (MANE Select); coding-DNA position 1777, A replaced by C.
Protein change: p.Lys593Gln; replaces lysine 593 with glutamine.
Molecular consequence: missense variant. On other transcripts: non-coding transcript variant (1).
Genome position (GRCh38, 1-based): chr7:5,986,988, T>G on the plus strand (A>C on the coding strand, the complement: PMS2 is on the minus strand). VCF-style: chr7-5986988-T-G. GRCh37 (hg19) VCF-style: chr7-6026619-T-G.
Other names: c.1372A>C, p.Lys458Gln (NM_001322003.2, NM_001322004.2, NM_001322005.2 and 1 more transcripts); c.1621A>C, p.Lys541Gln (NM_001322006.2); c.1459A>C, p.Lys487Gln (NM_001322007.2, NM_001322008.2); c.1216A>C, p.Lys406Gln (NM_001322010.2); c.844A>C, p.Lys282Gln (NM_001322011.2, NM_001322012.2); c.1204A>C, p.Lys402Gln (NM_001322013.2); c.1777A>C, p.Lys593Gln (NM_001322014.2); c.1468A>C, p.Lys490Gln (NM_001322015.2); short protein forms K402Q, K406Q, K282Q, K541Q, K593Q, K487Q, K490Q, K458Q.
Identifiers: ClinVar variation 658941 (VCV000658941.14), dbSNP rs1212790997, ClinGen allele CA366739908.

ClinVar aggregate classification (germline): Conflicting classifications of pathogenicity. Review status: criteria provided, conflicting classifications (1 of 4 stars). 2 submissions from 2 submitters: Uncertain significance (1); Likely benign (1). Last evaluated 2026-09-04.

Conditions:
Hereditary nonpolyposis colorectal neoplasms. Identifiers: MedGen C0009405, MeSH D003123.
Hereditary cancer-predisposing syndrome. Also called: Neoplastic Syndromes, Hereditary; Hereditary Cancer Syndrome; Hereditary neoplastic syndrome; Tumor predisposition. Identifiers: Orphanet 140162, MedGen C0027672, MeSH D009386, MONDO:0015356.

Allele frequency attached by ClinVar (database versions not stated): TOPMed below 0.00001; gnomAD 0.00001.
gnomAD v4.1: 1 of 1,614,070 alleles (0.000062%); highest among the groups gnomAD compares: Non-Finnish European, 0.000085%; no homozygotes.

Submissions (2):

Ambry Genetics
Classification: Likely benign for Hereditary cancer-predisposing syndrome. Last evaluated: 2026-09-04. Review status: criteria provided, single submitter. Criteria: Ambry Variant Classification Scheme 2023. Collection method: clinical testing. Allele origin: germline.

Labcorp Genetics (formerly Invitae), Labcorp
Classification: Uncertain significance for Hereditary nonpolyposis colorectal neoplasms. Last evaluated: 2020-08-20. Review status: criteria provided, single submitter. Criteria: Invitae Variant Classification Sherloc (09022015). Collection method: clinical testing. Allele origin: germline.
Comment: This sequence change replaces lysine with glutamine at codon 593 of the PMS2 protein (p.Lys593Gln). The lysine residue is weakly conserved and there is a small physicochemical difference between lysine and glutamine. This variant is not present in population databases (ExAC no frequency). This variant has not been reported in the literature in individuals with PMS2-related disease. Algorithms developed to predict the effect of missense changes on protein structure and function (SIFT, PolyPhen-2, Align-GVGD) all suggest that this variant is likely to be tolerated, but these predictions have not been confirmed by published functional studies and their clinical significance is uncertain. Algorithms developed to predict the effect of sequence changes on RNA splicing suggest that this variant may create or strengthen a splice site, but this prediction has not been confirmed by published transcriptional studies. In summary, the available evidence is currently insufficient to determine the role of this variant in disease. Therefore, it has been classified as a Variant of Uncertain Significance.